The following continues an entry in ClinVar:

NM_000404.4(GLB1):c.442C>T (p.Arg148Cys)

Gene: GLB1. ClinVar aggregate classification (germline): Pathogenic/Likely pathogenic. Pathogenic (14); Likely pathogenic (1).

Submissions 8 to 16 of 16:

Women's Health and Genetics/Laboratory Corporation of America, LabCorp
Classification: Pathogenic for GM1 gangliosidosis. Last evaluated: 2024-01-29. Review status: criteria provided, single submitter. Criteria: LabCorp Variant Classification Summary - May 2015. Collection method: clinical testing. Allele origin: germline.
Comment: Variant summary: GLB1 c.442C>T (p.Arg148Cys) results in a non-conservative amino acid change located in the Glycoside hydrolase 35, catalytic domain (IPR031330) of the encoded protein sequence. Five of five in-silico tools predict a damaging effect of the variant on protein function. The variant allele was found at a frequency of 4e-05 in 249276 control chromosomes (gnomAD). This frequency is not significantly higher than estimated for a pathogenic variant in GLB1 causing GM1 Gangliosidosis (4e-05 vs 0.002), allowing no conclusion about variant significance. c.442C>T has been reported in the literature in multiple individuals affected with GM1 Gangliosidosis or mucopolysaccharidosis (examples: Roze_2005, Kooper_2006, Caciotti_2011, Lei_2012, and Kilic_2019). These data indicate that the variant is very likely to be associated with disease. The following publications have been ascertained in the context of this evaluation (PMID: 15986423, 23151865, 17221873, 30712135, 16674934). ClinVar contains an entry for this variant (Variation ID: 92907). Based on the evidence outlined above, the variant was classified as pathogenic.

Department of Pathology and Laboratory Medicine, Sinai Health System
Classification: Pathogenic for Infantile GM1 gangliosidosis; GM1 gangliosidosis type 2; GM1 gangliosidosis type 3; Mucopolysaccharidosis, MPS-IV-B. Last evaluated: 2023-05-15. Review status: criteria provided, single submitter. Criteria: ACMG Guidelines, 2015. Collection method: research. Allele origin: germline.

Fulgent Genetics
Classification: Pathogenic for Infantile GM1 gangliosidosis; GM1 gangliosidosis type 2; GM1 gangliosidosis type 3; Mucopolysaccharidosis, MPS-IV-B. Last evaluated: 2022-02-23. Review status: criteria provided, single submitter. Criteria: ACMG Guidelines, 2015. Collection method: clinical testing. Allele origin: unknown.

Baylor Genetics
Classification: Pathogenic for Infantile GM1 gangliosidosis. Last evaluated: 2020-07-09. Review status: criteria provided, single submitter. Criteria: ACMG Guidelines, 2015. Collection method: clinical testing. Allele origin: unknown. Affected: yes.
Comment: This variant was determined to be pathogenic according to ACMG Guidelines, 2015 [PMID:25741868].

Illumina Laboratory Services, Illumina
Classification: Pathogenic for GM1 gangliosidosis. Last evaluated: 2017-10-19. Review status: criteria provided, single submitter. Criteria: ICSL Variant Classification Criteria 09 May 2019. Collection method: clinical testing. Allele origin: germline.
Comment: Across a selection of the available literature, the GLB1 c.442C>T (p.Arg148Cys) missense variant has been reported in at least five cases of GM1 gangliosidosis, including four of type 1 and one of type 3 (Roze et al. 2005; Kooper et al. 2006; Caciotti et al. 2007; Hofer et al. 2010; Caciotti et al. 2011). It was also reported in a compound heterozygous state with a frameshift or complex allele in two unrelated 16-month-old individuals who presented with pyschomotor delay before one year of age. Inheritance from an unaffected parent was demonstrated in multiple cases. Control data are unavailable for this variant, which is reported at a frequency of 0.000071 in the European (non-Finnish) population of the Genome Aggregation Database. COS-1 cells that transiently over-expressed the Arg148Cys GLB1 protein showed no residual Î²-galactosidase activity compared to cells that expressed the wildtype form (Caciotti et al. 2007), and cultured amniocytes, fibroblasts, and leukocytes from umbilical cord blood from a homozygous case showed decreased activity relative to the reference range (Kooper et al. 2006). Two other missense variants at same position have also been reported in association with GM1 gangliosidosis type 1. Based on the collective evidence, the p.Arg148Cys variant is classified as pathogenic for GLB1-related disorders. This variant was observed by ICSL as part of a predisposition screen in an ostensibly healthy population.

Eurofins Ntd Llc (ga)
Classification: Pathogenic. Last evaluated: 2013-07-08. Review status: criteria provided, single submitter. Criteria: EGL Classification Definitions. Collection method: clinical testing. Allele origin: germline. Observed: 1 variant allele, 1 heterozygote.

Foundation for Research in Genetics and Endocrinology, FRIGE's Institute of Human Genetics
Classification: Likely pathogenic for Infantile GM1 gangliosidosis. Review status: criteria provided, single submitter. Criteria: ACMG Guidelines, 2015. Collection method: clinical testing. Allele origin: germline. Inheritance: Autosomal recessive inheritance. Affected: yes. Observed: 1 compound heterozygote.
Comment: The heterozygous missense variation in exon 4 of GLB1 gene that results in the amino acid substitution to cysteine for arginine at codon of 148 was detected. The variant c.442C>T (p.Arg148Cys) has not been reported in 1000 genome and has a MAF of 0.004% in the gnomAD database. The insilico prediction of the variant is dIsease causing by MutationTaster and SIFT.

Neuberg Centre For Genomic Medicine, NCGM
Classification: Pathogenic for Infantile GM1 gangliosidosis. Review status: criteria provided, single submitter. Criteria: ACMG Guidelines, 2015. Collection method: clinical testing. Allele origin: germline. Inheritance: Autosomal recessive inheritance. Affected: yes.
Comment: The missense variant p.R148C in GLB1 (NM_000404.3) has been observed in several individuals affected with GM1 gangliosidosis or mucopolysaccharidosis type IV (Abdul Mueed Bidchol et al 2015).Experimental studies have shown that this missense change abrogates GLB1 enzymatic activity (Anna Caciotti et al 2007). It has been submitted to ClinVar as Pathogenic.The p.R148C variant is observed in 8/1,13,082 (0.0071%) alleles from individuals of European (Non-Finnish) background in gnomAD Exomes and is novel (not in any individuals) in 1000 Genomes.The p.R148C missense variant is predicted to be damaging by both SIFT and PolyPhen2. The arginine residue at codon 148 of GLB1 is conserved in all mammalian species. The nucleotide c.442 in GLB1 is predicted conserved by GERP++ and PhyloP across 100 vertebrates. For these reasons, this variant has been classified as Pathogenic.

Counsyl
Classification: Likely pathogenic for Infantile GM1 gangliosidosis; GM1 gangliosidosis type 2; GM1 gangliosidosis type 3; Mucopolysaccharidosis, MPS-IV-B. Last evaluated: 2017-03-29. Review status: no assertion criteria provided. Collection method: clinical testing. Allele origin: unknown. Not counted in ClinVar's aggregate classification.

Literature cited by the submitters: PubMed 17221873 (cited by 6 submitters); PubMed 21497194 (cited by 5 submitters); PubMed 31367523 (cited by OLLIN Analises Genomicas, OLLIN); PubMed 22932019 (cited by OLLIN Analises Genomicas, OLLIN); PubMed 23151865 (cited by 6 submitters); PubMed 37970291 (cited by OLLIN Analises Genomicas, OLLIN); PubMed 33240792 (cited by OLLIN Analises Genomicas, OLLIN and Rady Children's Institute for Genomic Medicine, Rady Children's Hospital San Diego); PubMed 29396849 (cited by OLLIN Analises Genomicas, OLLIN); PubMed 10839995 (cited by 3 submitters); PubMed 15986423 (cited by 5 submitters); PubMed 25936995 (cited by 4 submitters); PubMed 16674934 (cited by 4 submitters); PubMed 30712135 (cited by Natera, Inc. and Women's Health and Genetics/Laboratory Corporation of America, LabCorp); PubMed 33737400 (cited by Rady Children's Institute for Genomic Medicine, Rady Children's Hospital San Diego); PubMed 37381921 (cited by Victorian Clinical Genetics Services, Murdoch Childrens Research Institute); PubMed 20175788 (cited by Illumina Laboratory Services, Illumina and Counsyl); PubMed 22128166 (cited by Counsyl); PubMed 21520340 (cited by Counsyl).